The following is an entry in ClinVar:

ClinVar aggregate classification (germline): Conflicting classifications of pathogenicity. Review status: criteria provided, conflicting classifications (1 of 4 stars). 3 submissions from 3 submitters: Likely pathogenic (1); Uncertain significance (2). Last evaluated 2025-09-05.

Conditions:
Hereditary cancer-predisposing syndrome. Also called: Hereditary neoplastic syndrome; Neoplastic Syndromes, Hereditary; Tumor predisposition; Hereditary Cancer Syndrome. Identifiers: Orphanet 140162, MedGen C0027672, MeSH D009386, MONDO:0015356.
Fanconi anemia complementation group O. Also called: RAD51C-Related Fanconi Anemia. Identifiers: Orphanet 84, MedGen C3150653, MONDO:0013248, OMIM 613390.

Allele frequency attached by ClinVar (database versions not stated): gnomAD exomes below 0.00001.

Submissions (3):

Ambry Genetics
Classification: Likely pathogenic for Hereditary cancer-predisposing syndrome. Last evaluated: 2025-09-05. Review status: criteria provided, single submitter. Criteria: Ambry Variant Classification Scheme 2023. Collection method: clinical testing. Allele origin: germline.
Comment: The p.L238R variant (also known as c.713T>G), located in coding exon 5 of the RAD51C gene, results from a T to G substitution at nucleotide position 713. The leucine at codon 238 is replaced by arginine, an amino acid with dissimilar properties. This amino acid position is highly conserved in available vertebrate species. In addition, this alteration is predicted to be deleterious by in silico analysis. In a homology-directed DNA repair (HDR) assay, this alteration showed a functionally abnormal read-out (Olvera-Le&oacute;n R et al Cell 2024 Oct;187(20):5719-5734.e19). This variant is considered to be rare based on population cohorts in the Genome Aggregation Database (gnomAD). Based on the majority of available evidence to date, this variant is likely to be pathogenic.

Labcorp Genetics (formerly Invitae), Labcorp
Classification: Uncertain significance for Fanconi anemia complementation group O. Last evaluated: 2023-10-15. Review status: criteria provided, single submitter. Criteria: Invitae Variant Classification Sherloc (09022015). Collection method: clinical testing. Allele origin: germline.
Comment: This sequence change replaces leucine, which is neutral and non-polar, with arginine, which is basic and polar, at codon 238 of the RAD51C protein (p.Leu238Arg). This variant is not present in population databases (gnomAD no frequency). This variant has not been reported in the literature in individuals affected with RAD51C-related conditions. ClinVar contains an entry for this variant (Variation ID: 409866). Advanced modeling of protein sequence and biophysical properties (such as structural, functional, and spatial information, amino acid conservation, physicochemical variation, residue mobility, and thermodynamic stability) performed at Invitae indicates that this missense variant is expected to disrupt RAD51C protein function. In summary, the available evidence is currently insufficient to determine the role of this variant in disease. Therefore, it has been classified as a Variant of Uncertain Significance.

Color Diagnostics, LLC DBA Color Health
Classification: Uncertain significance for Hereditary cancer-predisposing syndrome. Last evaluated: 2020-08-25. Review status: criteria provided, single submitter. Criteria: ACMG Guidelines, 2015. Collection method: clinical testing. Allele origin: germline.
Comment: This missense variant replaces leucine with arginine at codon 238 of the RAD51C protein. Computational prediction is inconclusive regarding the impact of this variant on protein structure and function (internally defined REVEL score threshold 0.5 < inconclusive < 0.7, PMID: 27666373). To our knowledge, functional studies have not been reported for this variant. This variant has not been reported in individuals affected with hereditary cancer in the literature. This variant has not been identified in the general population by the Genome Aggregation Database (gnomAD). The available evidence is insufficient to determine the role of this variant in disease conclusively. Therefore, this variant is classified as a Variant of Uncertain Significance.

Literature cited by the submitters: PubMed 39299233 (cited by Ambry Genetics).

NM_058216.3(RAD51C):c.713T>G (p.Leu238Arg)

Gene: RAD51C (RAD51 paralog C; plus strand). Cytogenetic location: 17q22.
Variant type: single nucleotide variant.
Coding change: c.713T>G on transcript NM_058216.3 (MANE Select); coding-DNA position 713, T replaced by G.
Protein change: p.Leu238Arg; replaces leucine 238 with arginine.
Molecular consequence: missense variant. On other transcripts: non-coding transcript variant (1).
Genome position (GRCh38, 1-based): chr17:58,709,866, T>G. VCF-style: chr17-58709866-T-G. GRCh37 (hg19) VCF-style: chr17-56787227-T-G.
Other names: short protein forms L238R.
Identifiers: ClinVar variation 409866 (VCV000409866.16), dbSNP rs1060502606, ClinGen allele CA16615467.
Genomic context (GRCh38, chr17:58,709,866, plus strand): 5'-TATTATTATTTTATTTTTCGTAACAAATCTAATATTATCTCTTCTGTATTTAGGTTCGAC[T>G]AGTGATAGTGGATGGTATTGCTTTTCCATTTCGTCATGACCTAGATGACCTGTCTCTTCG-3'
Protein context (NP_478123.1, residues 228-248): DFLSEHSKVR[Leu238Arg]VIVDGIAFPF